The following is an entry in ClinVar:

NM_000289.6(PFKM):c.2092+9G>T

Gene: PFKM (phosphofructokinase, muscle; plus strand). Cytogenetic location: 12q13.11.
Variant type: single nucleotide variant.
Coding change: c.2092+9G>T on transcript NM_000289.6 (MANE Select); 9 bases into the intron after coding-DNA position 2092, G replaced by T.
Molecular consequence: intron variant.
Genome position (GRCh38, 1-based): chr12:48,145,139, G>T. VCF-style: chr12-48145139-G-T. GRCh37 (hg19) VCF-style: chr12-48538922-G-T.
Other names: c.2116+9G>T (NM_001354741.2); c.2092+9G>T (NM_001354742.2, NM_001354743.2, NM_001354744.2 and 3 more transcripts); c.1942+9G>T (NM_001354747.2, NM_001354748.2); c.2305+9G>T (NM_001166686.2, NM_001354737.1, NM_001354739.1 and 1 more transcripts); c.2401+9G>T (NM_001354736.1, NM_001354735.1); c.2236+9G>T (NM_001354740.1); c.2005+9G>T (NM_001354745.2); c.1966+9G>T (NM_001354746.2); and 1 more.
Identifiers: ClinVar variation 1127249 (VCV001127249.11), dbSNP rs371778846, ClinGen allele CA6537529.

ClinVar aggregate classification (germline): Likely benign. Review status: criteria provided, single submitter (1 of 4 stars). 2 submissions from 2 submitters: Likely benign (1). 1 of the submissions does not count toward it. Last evaluated 2024-10-20.

Conditions:
Glycogen storage disease, type VII (GSD7). Also called: GSD VII; MUSCLE PHOSPHOFRUCTOKINASE DEFICIENCY; PFKM DEFICIENCY; TARUI DISEASE. Identifiers: Orphanet 371, MedGen C0017926, MONDO:0009295, OMIM 232800.
PFKM-related disorder. Also called: PFKM-related condition.

Allele frequency attached by ClinVar (database versions not stated): ExAC 0.00002; gnomAD 0.00002 and 0.00003; TOPMed 0.00003; ESP Exome Variant Server 0.00008.
gnomAD v4.1: 166 of 1,612,538 alleles (0.01%); highest among the groups gnomAD compares: Non-Finnish European, 0.014%; no homozygotes.

Submissions (3):

Labcorp Genetics (formerly Invitae), Labcorp
Classification: Likely benign for Glycogen storage disease, type VII. Last evaluated: 2024-10-20. Review status: criteria provided, single submitter. Criteria: Invitae Variant Classification Sherloc (09022015). Collection method: clinical testing. Allele origin: germline.

PreventionGenetics, part of Exact Sciences
Classification: Likely benign for PFKM-related condition. Last evaluated: 2024-03-21. Review status: no assertion criteria provided. Collection method: clinical testing. Allele origin: germline. Not counted in ClinVar's aggregate classification.
Comment: This variant is classified as likely benign based on ACMG/AMP sequence variant interpretation guidelines (Richards et al. 2015 PMID: 25741868, with internal and published modifications).

Dr. Peter K. Rogan Lab, Western University
No classification provided (evidence only). Condition: Uveal melanoma. Review status: no classification provided. Collection method: in vitro. Allele origin: not applicable. Functional consequence: retained intron. Not counted in ClinVar's aggregate classification.